The following is an entry in ClinVar:

ClinVar aggregate classification (germline): Uncertain significance. Review status: criteria provided, multiple submitters, no conflicts (2 of 4 stars). 3 submissions from 3 submitters: Uncertain significance (3). Last evaluated 2024-10-21.

Conditions:
Inborn genetic diseases. Identifiers: MedGen C0950123, MeSH D030342.

Allele frequency attached by ClinVar (database versions not stated): ExAC 0.00006; gnomAD exomes 0.00006; TOPMed 0.00009; gnomAD 0.00012; ESP Exome Variant Server 0.00023; 1000 Genomes Project 30x 0.00031.
gnomAD v4.1: 117 of 1,613,638 alleles (0.0073%); highest among the groups gnomAD compares: East Asian, 0.022%; no homozygotes.

Submissions (3):

Blueprint Genetics
Classification: Uncertain significance. Last evaluated: 2024-10-21. Review status: criteria provided, single submitter. Criteria: ACMG Guidelines, 2015. Collection method: clinical testing. Allele origin: germline.

Ambry Genetics
Classification: Uncertain significance for Inborn genetic diseases. Last evaluated: 2023-12-21. Review status: criteria provided, single submitter. Criteria: Ambry Variant Classification Scheme 2023. Collection method: clinical testing. Allele origin: germline.

Labcorp Genetics (formerly Invitae), Labcorp
Classification: Uncertain significance. Last evaluated: 2023-12-18. Review status: criteria provided, single submitter. Criteria: Invitae Variant Classification Sherloc (09022015). Collection method: clinical testing. Allele origin: germline.
Comment: This sequence change replaces alanine, which is neutral and non-polar, with valine, which is neutral and non-polar, at codon 1409 of the TUBGCP6 protein (p.Ala1409Val). This variant is present in population databases (rs146983255, gnomAD 0.04%). This variant has not been reported in the literature in individuals affected with TUBGCP6-related conditions. ClinVar contains an entry for this variant (Variation ID: 1064371). Algorithms developed to predict the effect of missense changes on protein structure and function output the following: SIFT: "Not Available"; PolyPhen-2: "Probably Damaging"; Align-GVGD: "Not Available". The valine amino acid residue is found in multiple mammalian species, which suggests that this missense change does not adversely affect protein function. In summary, the available evidence is currently insufficient to determine the role of this variant in disease. Therefore, it has been classified as a Variant of Uncertain Significance.

NM_020461.4(TUBGCP6):c.4226C>T (p.Ala1409Val)

Gene: TUBGCP6 (tubulin gamma complex component 6; minus strand). Cytogenetic location: 22q13.33.
Variant type: single nucleotide variant.
Coding change: c.4226C>T on transcript NM_020461.4 (MANE Select); coding-DNA position 4226, C replaced by T.
Protein change: p.Ala1409Val; replaces alanine 1409 with valine.
Molecular consequence: missense variant.
Genome position (GRCh38, 1-based): chr22:50,219,733, G>A on the plus strand (C>T on the coding strand, the complement: TUBGCP6 is on the minus strand). VCF-style: chr22-50219733-G-A. GRCh37 (hg19) VCF-style: chr22-50658162-G-A.
Other names: c.4226C>T (NM_020461.3); short protein forms A1409V.
Identifiers: ClinVar variation 1064371 (VCV001064371.7), dbSNP rs146983255, ClinGen allele CA10307615.
Genomic context (GRCh38, chr22:50,219,733, plus strand): 5'-TCCAAGTGGTACTGCCCTGCCAGGCCTGCCAGGTAGGCCTGCTCCCCACCCTGAGCCTCC[G>A]CCGCCGATGCCTCCGCCTCCTCACCACGGCCTGGGCTGCTCTGGGCAGCTGTGTCTTCCT-3'
Protein context (NP_065194.3, residues 1399-1419): GRGEEAEASA[Ala1409Val]EAQGGEQAYL